The following is an entry in ClinVar:

ClinVar aggregate classification (germline): Pathogenic (1 of 4 stars; one submission).

Conditions:
Developmental and epileptic encephalopathy, 23 (DEE23). Also called: Epileptic encephalopathy, early infantile, 23. Identifiers: Orphanet 411986, MedGen C4014492, MONDO:0014371, OMIM 615859.

Submission:

Labcorp Genetics (formerly Invitae), Labcorp
Classification: Pathogenic for Developmental and epileptic encephalopathy, 23. Last evaluated: 2023-12-19. Review status: criteria provided, single submitter. Criteria: Invitae Variant Classification Sherloc (09022015). Collection method: clinical testing. Allele origin: germline.
Comment: This sequence change creates a premature translational stop signal (p.Phe1760*) in the DOCK7 gene. It is expected to result in an absent or disrupted protein product. Loss-of-function variants in DOCK7 are known to be pathogenic (PMID: 24814191). This variant is not present in population databases (gnomAD no frequency). This variant has not been reported in the literature in individuals affected with DOCK7-related conditions. ClinVar contains an entry for this variant (Variation ID: 2101973). For these reasons, this variant has been classified as Pathogenic.

Literature cited by the submitters: PubMed 24814191.

NM_001367561.1(DOCK7):c.5306_5310del (p.Tyr1768_Phe1769insTer)

Gene: DOCK7 (dedicator of cytokinesis 7; minus strand). Cytogenetic location: 1p31.3.
Variant type: Deletion.
Coding change: c.5306_5310del on transcript NM_001367561.1 (MANE Select); coding-DNA positions 5306 to 5310, 5 bases deleted (TTACT; older notation c.5306_5310delTTACT).
Protein change: p.Tyr1768_Phe1769insTer.
Molecular consequence: nonsense.
Genome position (GRCh38, 1-based): chr1:62,492,755-62,492,759, AGTAA deleted on the plus strand (TTACT on the coding strand, the reverse complement: DOCK7 is on the minus strand); deleting any 5 consecutive bases within chr1:62,492,755-62,492,763 gives the same sequence; the c. name uses the placement nearest the transcript's 3' end. VCF-style (leftmost placement, unchanged base first): chr1-62492754-CAGTAA-C. GRCh37 (hg19) VCF-style: chr1-62958425-CAGTAA-C.
Other names: c.5279_5283del, p.Tyr1759_Phe1760insTer (NM_001271999.2, NM_001330614.2); c.5186_5190del, p.Tyr1728_Phe1729insTer (NM_001272000.2, NM_001272001.2); c.5213_5217del, p.Tyr1737_Phe1738insTer (NM_033407.4).
Identifiers: ClinVar variation 2101973 (VCV002101973.4), dbSNP rs2524028270, ClinGen allele CA2580063101.